The following is an entry in ClinVar:

NM_020911.2(PLXNA4):c.1372-87071G>A

Gene: PLXNA4 (plexin A4; minus strand). Cytogenetic location: 7q32.3.
Variant type: single nucleotide variant.
Coding change: c.1372-87071G>A on transcript NM_020911.2 (MANE Select); 87071 bases into the intron before coding-DNA position 1372, G replaced by A.
Molecular consequence: intron variant. On other transcripts: missense variant (1).
Genome position (GRCh38, 1-based): chr7:132,385,293, C>T on the plus strand (G>A on the coding strand, the complement: PLXNA4 is on the minus strand). VCF-style: chr7-132385293-C-T. GRCh37 (hg19) VCF-style: chr7-132070052-C-T.
Other names: c.1374G>A, p.Met458Ile (NM_001105543.2); c.1372-87071G>A (NM_001393897.1); short protein forms M458I.
Identifiers: ClinVar variation 2629529 (VCV002629529.3), dbSNP rs113034481, ClinGen allele CA4490211.

ClinVar aggregate classification (germline): Likely benign (0 of 4 stars; one submission).

Conditions:
PLXNA4-related disorder. Also called: PLXNA4-related condition.

Allele frequency attached by ClinVar (database versions not stated): ESP Exome Variant Server 0.00008; TOPMed 0.00015; gnomAD 0.00017; ExAC 0.00035; 1000 Genomes Project 0.00060; 1000 Genomes Project 30x 0.00078.
gnomAD v4.1: 530 of 1,611,096 alleles (0.033%); highest among the groups gnomAD compares: South Asian, 0.12%; 3 homozygotes.

Submission:

PreventionGenetics, part of Exact Sciences
Classification: Likely benign for PLXNA4-related condition. Last evaluated: 2024-05-09. Review status: no assertion criteria provided. Collection method: clinical testing. Allele origin: germline.
Comment: This variant is classified as likely benign based on ACMG/AMP sequence variant interpretation guidelines (Richards et al. 2015 PMID: 25741868, with internal and published modifications).